The following is an entry in ClinVar:

ClinVar aggregate classification (germline): Likely benign (1 of 4 stars; one submission).

gnomAD v4.1: 1 of 1,614,128 alleles (0.000062%); highest among the groups gnomAD compares: Non-Finnish European, 0.000085%; no homozygotes.

Submission:

Women's Health and Genetics/Laboratory Corporation of America, LabCorp
Classification: Likely benign. Last evaluated: 2025-10-24. Review status: criteria provided, single submitter. Criteria: LabCorp Variant Classification Summary - May 2015. Collection method: clinical testing. Allele origin: germline.
Comment: Variant summary: NLRP3 c.1590C>G alters a conserved nucleotide resulting in a synonymous change. Consensus agreement among computation tools predict no significant impact on normal splicing. However, these predictions have yet to be confirmed by functional studies. The variant was absent in 251050 control chromosomes. The available data on variant occurrences in the general population are insufficient to allow any conclusion about variant significance. To our knowledge, no occurrence of c.1590C>G in individuals affected with NLRP3-related conditions and no experimental evidence demonstrating its impact on protein function have been reported. No submitters have cited clinical-significance assessments for this variant to ClinVar. Based on the evidence outlined above, the variant was classified as likely benign.

NM_001243133.2(NLRP3):c.1584C>G (p.Ala528=)

Gene: NLRP3 (NLR family pyrin domain containing 3; plus strand). Cytogenetic location: 1q44.
Variant type: single nucleotide variant.
Coding change: c.1584C>G on transcript NM_001243133.2 (MANE Select); coding-DNA position 1584, C replaced by G.
Protein change: p.Ala528=; no amino-acid change (alanine 528 retained).
Molecular consequence: synonymous variant.
Genome position (GRCh38, 1-based): chr1:247,425,033, C>G. VCF-style: chr1-247425033-C-G. GRCh37 (hg19) VCF-style: chr1-247588335-C-G.
Other names: c.1584C>G, p.Ala528= (NM_001079821.3, NM_001127461.3, NM_001127462.3 and 1 more transcripts); c.1590C>G, p.Ala530= (NM_004895.5).
Identifiers: ClinVar variation 4687766 (VCV004687766.1).